The following is an entry in ClinVar:

NM_001164508.2(NEB):c.3879+2T>C

Gene: NEB (nebulin; minus strand). Cytogenetic location: 2q23.3.
Variant type: single nucleotide variant.
Coding change: c.3879+2T>C on transcript NM_001164508.2 (MANE Select); the canonical splice donor site of the intron after coding-DNA position 3879, T replaced by C.
Molecular consequence: splice donor variant.
Genome position (GRCh38, 1-based): chr2:151,675,285, A>G on the plus strand (T>C on the coding strand, the complement: NEB is on the minus strand). VCF-style: chr2-151675285-A-G. GRCh37 (hg19) VCF-style: chr2-152531799-A-G.
Other names: c.3879+2T>C (NM_004543.5, NM_001164507.2, NM_001271208.2).
Identifiers: ClinVar variation 845647 (VCV000845647.12), dbSNP rs2099350888, ClinGen allele CA348817851.

ClinVar aggregate classification (germline): Pathogenic/Likely pathogenic. Review status: criteria provided, multiple submitters, no conflicts (2 of 4 stars). 3 submissions from 3 submitters: Pathogenic (1); Likely pathogenic (2). Last evaluated 2025-09-23.

Conditions:
Arthrogryposis multiplex congenita 6. Identifiers: MedGen C5543431, MONDO:0030281, OMIM 619334.
Nemaline myopathy 2 (NEM2). Also called: Nemaline myopathy 2, autosomal recessive. Identifiers: MedGen C1850569, MONDO:0009725, OMIM 256030.

Submissions (3):

Natera, Inc.
Classification: Likely pathogenic for Nemaline myopathy type 2. Last evaluated: 2025-09-23. Review status: criteria provided, single submitter. Criteria: Natera Variant Classification Schema (03/2026). Collection method: clinical testing. Allele origin: germline.
Comment: The c.3879+2T>C variant in NEB is a canonical splice donor site variant predicted to affect pre-mRNA splicing, which may result in an abnormal transcript and altered protein product. This variant is expected to result in nonsense mediated decay, truncation, or a dysfunctional protein product. This variant is rare in the general population with a frequency below the threshold expected for the associated phenotype(s). Given the available evidence, this variant is classified as Likely Pathogenic.

Labcorp Genetics (formerly Invitae), Labcorp
Classification: Pathogenic for Nemaline myopathy 2. Last evaluated: 2024-07-02. Review status: criteria provided, single submitter. Criteria: Invitae Variant Classification Sherloc (09022015). Collection method: clinical testing. Allele origin: germline.
Comment: This sequence change affects a donor splice site in intron 35 of the NEB gene. It is expected to disrupt RNA splicing. Variants that disrupt the donor or acceptor splice site typically lead to a loss of protein function (PMID: 16199547), and loss-of-function variants in NEB are known to be pathogenic (PMID: 25205138). This variant is not present in population databases (gnomAD no frequency). Disruption of this splice site has been observed in individuals with nemaline myopathy (PMID: 25205138; Invitae). ClinVar contains an entry for this variant (Variation ID: 845647). Algorithms developed to predict the effect of sequence changes on RNA splicing suggest that this variant may disrupt the consensus splice site. For these reasons, this variant has been classified as Pathogenic.

Fulgent Genetics
Classification: Likely pathogenic for Nemaline myopathy 2; Arthrogryposis multiplex congenita 6. Last evaluated: 2024-05-01. Review status: criteria provided, single submitter. Criteria: ACMG Guidelines, 2015. Collection method: clinical testing. Allele origin: germline.

Literature cited by the submitters: PubMed 16199547 (cited by Labcorp Genetics (formerly Invitae), Labcorp); PubMed 25205138 (cited by Labcorp Genetics (formerly Invitae), Labcorp).